The following is an entry in ClinVar:

ClinVar aggregate classification (germline): Likely benign (1 of 4 stars; one submission).

Submission:

CeGaT Center for Human Genetics Tuebingen
Classification: Likely benign. Last evaluated: 2026-06-01. Review status: criteria provided, single submitter. Criteria: CeGaT Center For Human Genetics Tuebingen Variant Classification Criteria Version 2. Collection method: clinical testing. Allele origin: germline. Affected: yes. Observed: 1 variant allele.
Comment: CCDC40: BS2

NM_017950.4(CCDC40):c.2832+504dup

Gene: CCDC40 (coiled-coil domain 40 molecular ruler complex subunit; plus strand). Cytogenetic location: 17q25.3.
Variant type: Duplication.
Coding change: c.2832+504dup on transcript NM_017950.4 (MANE Select); 504 bases into the intron after coding-DNA position 2832, one base duplicated (G; older notation c.2832+504dupG).
Molecular consequence: intron variant. On other transcripts: frameshift variant (1).
Genome position (GRCh38, 1-based): chr17:80,090,388, G duplicated. VCF-style (leftmost placement, unchanged base first): chr17-80090387-A-AG. GRCh37 (hg19) VCF-style: chr17-78064186-A-AG.
Other names: c.3082dup, p.Ala1028fs (NM_001243342.2); short protein forms A1028fs.
Identifiers: ClinVar variation 4873069 (VCV004873069.2).